The following is an entry in ClinVar:

ClinVar aggregate classification (germline): Uncertain significance (1 of 4 stars; one submission).

Allele frequency attached by ClinVar (database versions not stated): gnomAD exomes below 0.00001.
gnomAD v4.1: 1 of 1,614,158 alleles (0.000062%); highest among the groups gnomAD compares: Admixed American, 0.0017%; no homozygotes.

Submission:

Laboratory for Molecular Medicine, Mass General Brigham Personalized Medicine
Classification: Uncertain significance. Last evaluated: 2011-08-19. Review status: criteria provided, single submitter. Criteria: LMM Criteria. Collection method: clinical testing. Allele origin: germline. Observed: 1 variant allele.
Comment: Variant classified as Uncertain Significance - Favor Benign. Because the number of Black individuals sequ enced by our laboratory is small, we cannot exclude the possibility that thsi va riant is common in this popualtion. This variant is located in the splice conse nsus sequence but does not affect a highly conserved position. Computer tools d o not predict any effect on mRNA splicing (their accuracy is unknown) and pathog enic splice variants have not yet been reported in the TPM1 gene. In summary, it is very unlikely that this variant is disease causing but additional data is ne eded to confirm this.

NM_001018005.2(TPM1):c.563+254A>G

Gene: TPM1 (tropomyosin 1; plus strand). Cytogenetic location: 15q22.2.
Variant type: single nucleotide variant.
Coding change: c.563+254A>G on transcript NM_001018005.2 (MANE Select); 254 bases into the intron after coding-DNA position 563, A replaced by G.
Molecular consequence: intron variant.
Genome position (GRCh38, 1-based): chr15:63,061,193, A>G. VCF-style: chr15-63061193-A-G. GRCh37 (hg19) VCF-style: chr15-63353392-A-G.
Other names: c.689+254A>G (NM_001365778.1); c.564-5A>G (NM_001018020.2, NM_001018006.2, NM_000366.6); c.563+254A>G (NM_001018007.2, NM_001365776.1, NM_001018004.2 and 3 more transcripts); c.456-5A>G (NM_001330351.2, NM_001330344.2, NM_001365781.2); c.455+254A>G (NM_001018008.2, NM_001301289.2, NM_001365782.1 and 2 more transcripts).
Identifiers: ClinVar variation 43429 (VCV000043429.5), dbSNP rs397516380, ClinGen allele CA018154.
Genomic context (GRCh38, chr15:63,061,193, plus strand): 5'-CTGCATGCCTTACCTGCACACTGATTTTGTGAATGGCCTTGTGCATTTCCTGTGTCCACT[A>G]ACAGCCAAGTCCGACAGCTGGAAGAACAATTAAGAATAATGGATCAGACCTTGAAAGCAT-3'